The following is an entry in ClinVar:

ClinVar aggregate classification (germline): Pathogenic (1 of 4 stars; one submission).

Conditions:
Giant axonal neuropathy 1 (GAN1). Also called: GIANT AXONAL NEUROPATHY 1, AUTOSOMAL RECESSIVE; GAN-Related Neurodegeneration. Identifiers: Orphanet 643, MedGen C1850386, MONDO:0009749, OMIM 256850.

Submission:

Labcorp Genetics (formerly Invitae), Labcorp
Classification: Pathogenic for Giant axonal neuropathy. Last evaluated: 2018-01-12. Review status: criteria provided, single submitter. Criteria: Invitae Variant Classification Sherloc (09022015). Collection method: clinical testing. Allele origin: germline.
Comment: A gross deletion of the genomic region encompassing the full coding sequence of the GAN gene has been identified. The boundaries of this event are unknown as the deletion extends beyond the assayed region for this gene and therefore may encompass additional genes. This variant has not been reported in the literature in individuals with GAN-related disease. Loss-of-function variants in GAN are known to be pathogenic (PMID: 12655563, 14718689, 23890932). For these reasons, this variant has been classified as Pathogenic.

NC_000016.9:g.(?_80623263)_(81411221_?)del

Genes: ATMIN (ATM interactor; plus strand), BCO1 (beta-carotene oxygenase 1; plus strand), C16orf46 (chromosome 16 open reading frame 46; minus strand), CDYL2 (chromodomain Y like 2; minus strand), CENPN (centromere protein N; plus strand) and 4 more. Cytogenetic location: 16q23.2.
Variant type: Deletion.
Identifiers: ClinVar variation 584186 (VCV000584186.1).